The following is an entry in ClinVar:

NM_001286.5(CLCN6):c.1747C>T (p.Arg583Ter)

Gene: CLCN6 (Cl-/H+ antiporter 6; plus strand). Cytogenetic location: 1p36.22.
Variant type: single nucleotide variant.
Coding change: c.1747C>T on transcript NM_001286.5 (MANE Select); coding-DNA position 1747, C replaced by T.
Protein change: p.Arg583Ter; replaces arginine 583 with a stop codon.
Molecular consequence: nonsense. On other transcripts: non-coding transcript variant (1).
Genome position (GRCh38, 1-based): chr1:11,834,544, C>T. VCF-style: chr1-11834544-C-T. GRCh37 (hg19) VCF-style: chr1-11894601-C-T.
Other names: c.1681C>T, p.Arg561Ter (NM_001256959.2); short protein forms R561*, R583*.
Identifiers: ClinVar variation 4814073 (VCV004814073.1).
Genomic context (GRCh38, chr1:11,834,544, plus strand): 5'-GTGGCCAAATGGACAGGGGACTTTTTCAATAAGGGCATTTATGATATCCACGTGGGCCTG[C>T]GAGGCGTGCCGCTTCTGGAATGGGAGACAGAGGTGGAAATGGACAAGTAAGGCCATGATT-3'

ClinVar aggregate classification (germline): Uncertain significance (1 of 4 stars; one submission).

Conditions:
Neuronal ceroid lipofuscinosis 15. Also called: Neurodegeneration, childhood-onset, hypotonia, respiratory insufficiency and brain imaging abnormalities; Neurodegeneration, childhood-onset, with hypotonia, respiratory insufficiency, and brain imaging abnormalities. Identifiers: Orphanet 610573, MedGen C5543020, MONDO:0030947, OMIM 619173.

gnomAD v4.1: 4 of 1,614,024 alleles (0.00025%); highest among the groups gnomAD compares: South Asian, 0.0022%; no homozygotes.

Submission:

OLLIN Analises Genomicas, OLLIN
Classification: Uncertain significance for Neuronal ceroid lipofuscinosis 15. Last evaluated: 2026-02-13. Review status: criteria provided, single submitter. Criteria: ACMG Guidelines 2015 PMID 25741868. Collection method: clinical testing. Allele origin: germline. Observed: 1 variant allele.
Comment: PM2_P, BS2_P